The following is an entry in ClinVar:

ClinVar aggregate classification (germline): Uncertain significance (1 of 4 stars; one submission).

Conditions:
Developmental and epileptic encephalopathy, 34 (DEE34). Also called: SLC12A5-Related Epilepsy of Infancy with Migrating Focal Seizures; Early infantile epileptic encephalopathy 34. Identifiers: Orphanet 293181, MedGen C4225257, MONDO:0014718, OMIM 616645.

gnomAD v4.1: 1 of 1,599,956 alleles (0.000063%); highest among the groups gnomAD compares: Non-Finnish European, 0.000085%; no homozygotes.

Submission:

Labcorp Genetics (formerly Invitae), Labcorp
Classification: Uncertain significance for Developmental and epileptic encephalopathy, 34. Last evaluated: 2021-08-24. Review status: criteria provided, single submitter. Criteria: Invitae Variant Classification Sherloc (09022015). Collection method: clinical testing. Allele origin: germline.
Comment: This sequence change replaces arginine with tryptophan at codon 463 of the SLC12A5 protein (p.Arg463Trp). The arginine residue is highly conserved and there is a moderate physicochemical difference between arginine and tryptophan. This variant is not present in population databases (ExAC no frequency). This variant has not been reported in the literature in individuals affected with SLC12A5-related conditions. Algorithms developed to predict the effect of missense changes on protein structure and function are either unavailable or do not agree on the potential impact of this missense change (SIFT: "Deleterious"; PolyPhen-2: "Probably Damaging"; Align-GVGD: "Class C0"). In summary, the available evidence is currently insufficient to determine the role of this variant in disease. Therefore, it has been classified as a Variant of Uncertain Significance.

NM_020708.5(SLC12A5):c.1387C>T (p.Arg463Trp)

Gene: SLC12A5 (solute carrier family 12 member 5; plus strand). Cytogenetic location: 20q13.12.
Variant type: single nucleotide variant.
Coding change: c.1387C>T on transcript NM_020708.5 (MANE Select); coding-DNA position 1387, C replaced by T.
Protein change: p.Arg463Trp; replaces arginine 463 with tryptophan.
Molecular consequence: missense variant.
Genome position (GRCh38, 1-based): chr20:46,043,926, C>T. VCF-style: chr20-46043926-C-T. GRCh37 (hg19) VCF-style: chr20-44672565-C-T.
Other names: c.1456C>T, p.Arg486Trp (NM_001134771.2); short protein forms R463W, R486W.
Identifiers: ClinVar variation 1021481 (VCV001021481.6), dbSNP rs769265263, ClinGen allele CA409193547.